The following is an entry in ClinVar:

ClinVar aggregate classification (germline): Likely pathogenic. Review status: criteria provided, single submitter (1 of 4 stars). 2 submissions from 2 submitters: Likely pathogenic (1). 1 of the submissions does not count toward it. Last evaluated 2022-10-01.

Conditions:
Classic homocystinuria. Also called: Homocystinuria due to Cystathionine Beta-Synthase Deficiency; Homocystinuria due to CBS deficiency; Cystathionine beta-synthase deficiency; CBS deficiency; HOMOCYSTINURIA WITH OR WITHOUT RESPONSE TO PYRIDOXINE. Identifiers: Orphanet 394, MedGen C0751202, MONDO:0009352, OMIM 236200.
HYPERHOMOCYSTEINEMIA, THROMBOTIC, CBS-RELATED. Identifiers: MedGen C3150344, OMIM 236200.

Submissions (2):

Labcorp Genetics (formerly Invitae), Labcorp
Classification: Likely pathogenic for HYPERHOMOCYSTEINEMIA, THROMBOTIC, CBS-RELATED. Last evaluated: 2022-10-01. Review status: criteria provided, single submitter. Criteria: Invitae Variant Classification Sherloc (09022015). Collection method: clinical testing. Allele origin: germline.
Comment: This variant is not present in population databases (gnomAD no frequency). This sequence change affects an acceptor splice site in intron 16 of the CBS gene. While this variant is not anticipated to result in nonsense mediated decay, it likely alters RNA splicing and results in a disrupted protein product. In summary, the currently available evidence indicates that the variant is pathogenic, but additional data are needed to prove that conclusively. Therefore, this variant has been classified as Likely Pathogenic. Variants that disrupt the consensus splice site are a relatively common cause of aberrant splicing (PMID: 17576681, 9536098). Algorithms developed to predict the effect of sequence changes on RNA splicing suggest that this variant may disrupt the consensus splice site. ClinVar contains an entry for this variant (Variation ID: 556031). Disruption of this splice site has been observed in individual(s) with clinical features of homocystinuria due to CBS deficiency (Invitae). In at least one individual the data is consistent with being in trans (on the opposite chromosome) from a pathogenic variant. It has also been observed to segregate with disease in related individuals.

Counsyl
Classification: Likely pathogenic for Classic homocystinuria. Last evaluated: 2018-01-09. Review status: no assertion criteria provided. Collection method: clinical testing. Allele origin: unknown. Not counted in ClinVar's aggregate classification.

Literature cited by the submitters: PubMed 17576681 (cited by Labcorp Genetics (formerly Invitae), Labcorp); PubMed 9536098 (cited by Labcorp Genetics (formerly Invitae), Labcorp).

NM_000071.3(CBS):c.1553-2A>C

Gene: CBS (cystathionine beta-synthase; minus strand). Cytogenetic location: 21q22.3.
Variant type: single nucleotide variant.
Coding change: c.1553-2A>C on transcript NM_000071.3 (MANE Select); the canonical splice acceptor site of the intron before coding-DNA position 1553, A replaced by C.
Molecular consequence: splice acceptor variant.
Genome position (GRCh38, 1-based): chr21:43,053,985, T>G on the plus strand (A>C on the coding strand, the complement: CBS is on the minus strand). VCF-style: chr21-43053985-T-G. GRCh37 (hg19) VCF-style: chr21-44474095-T-G.
Other names: c.1553-2A>C (NM_001320298.2, NM_001178009.3, NM_001178008.3); c.1238-2A>C (NM_001321072.1).
Identifiers: ClinVar variation 556031 (VCV000556031.11), dbSNP rs760609383, ClinGen allele CA410394984.